The following is an entry in ClinVar:

NM_002860.4(ALDH18A1):c.301C>T (p.Gln101Ter)

Gene: ALDH18A1 (aldehyde dehydrogenase 18 family member A1; minus strand). Cytogenetic location: 10q24.1.
Variant type: single nucleotide variant.
Coding change: c.301C>T on transcript NM_002860.4 (MANE Select); coding-DNA position 301, C replaced by T.
Protein change: p.Gln101Ter; replaces glutamine 101 with a stop codon.
Molecular consequence: nonsense. On other transcripts: intron variant (4).
Genome position (GRCh38, 1-based): chr10:95,642,994, G>A on the plus strand (C>T on the coding strand, the complement: ALDH18A1 is on the minus strand). VCF-style: chr10-95642994-G-A. GRCh37 (hg19) VCF-style: chr10-97402751-G-A.
Other names: c.-30-5558C>T (NM_001323416.2, NM_001323412.2, NM_001323418.2); c.301C>T, p.Gln101Ter (NM_001017423.2, NM_001323413.2, NM_001323414.2 and 2 more transcripts); c.-78-9345C>T (NM_001323419.2); short protein forms Q101*.
Identifiers: ClinVar variation 620549 (VCV000620549.3), dbSNP rs1566039159, ClinGen allele CA377707536.

ClinVar aggregate classification (germline): Pathogenic/Likely pathogenic. Review status: criteria provided, multiple submitters, no conflicts (2 of 4 stars). 2 submissions from 2 submitters: Pathogenic (1); Likely pathogenic (1). Last evaluated 2023-01-25.

Conditions:
Inborn genetic diseases. Identifiers: MedGen C0950123, MeSH D030342.

Submissions (2):

Ambry Genetics
Classification: Pathogenic for Inborn genetic diseases. Last evaluated: 2023-01-25. Review status: criteria provided, single submitter. Criteria: Ambry Variant Classification Scheme 2023. Collection method: clinical testing. Allele origin: germline.
Comment: The c.301C>T (p.Q101*) alteration, located in exon 3 (coding exon 2) of the ALDH18A1 gene, consists of a C to T substitution at nucleotide position 301. This changes the amino acid from a glutamine (Q) to a stop codon at amino acid position 101. This alteration is expected to result in loss of function by premature protein truncation or nonsense-mediated mRNA decay. Although biallelic loss of function alterations in ALDH18A1 have been associated with autosomal recessive P5CS deficiency, haploinsufficiency for ALDH18A1 has not been established as a mechanism of disease for autosomal dominant P5CS deficiency. Based on the available evidence, the c.301C>T (p.Q101*) alteration is classified as pathogenic for autosomal recessive P5CS deficiency; however, its clinical significance for autosomal dominant P5CS deficiency is unclear. This variant was not reported in population-based cohorts in the Genome Aggregation Database (gnomAD). Based on the available evidence, this alteration is classified as pathogenic.

GeneDx
Classification: Likely pathogenic. Last evaluated: 2019-01-16. Review status: criteria provided, single submitter. Criteria: GeneDx Variant Classification (06012015). Collection method: clinical testing. Allele origin: germline. Affected: yes.
Comment: The Q101X variant in the ALDH18A1 gene has not been reported previously as a pathogenic variant nor as a benign variant, to our knowledge. This variant is predicted to cause loss of normal protein function either through protein truncation or nonsense-mediated mRNA decay. The Q101X variant is not observed in large population cohorts (Lek et al., 2016). We interpret Q101X as a likely pathogenic variant.